The following is an entry in ClinVar:

NM_052947.4(ALPK2):c.3916G>C (p.Ala1306Pro)

Genes: ALPK2 (alpha kinase 2; minus strand), LOC126862764 (BRD4-independent group 4 enhancer GRCh37_chr18:56202574-56203773; plus strand). Cytogenetic location: 18q21.31.
Variant type: single nucleotide variant.
Coding change: c.3916G>C on transcript NM_052947.4 (MANE Select); coding-DNA position 3916, G replaced by C.
Protein change: p.Ala1306Pro; replaces alanine 1306 with proline.
Molecular consequence: missense variant.
Genome position (GRCh38, 1-based): chr18:58,536,271, C>G on the plus strand (G>C on the coding strand, the complement: ALPK2 is on the minus strand). VCF-style: chr18-58536271-C-G. GRCh37 (hg19) VCF-style: chr18-56203503-C-G.
Other names: short protein forms A1306P.
Identifiers: ClinVar variation 1736148 (VCV001736148.2), dbSNP rs2518875740, ClinGen allele CA402565201.

ClinVar aggregate classification (germline): Uncertain significance (1 of 4 stars; one submission).

Allele frequency attached by ClinVar (database versions not stated): gnomAD exomes below 0.00001.
gnomAD v4.1: 1 of 1,614,226 alleles (0.000062%); highest among the groups gnomAD compares: East Asian, 0.0022%; no homozygotes.

Submission:

Ambry Genetics
Classification: Uncertain significance. Last evaluated: 2022-02-13. Review status: criteria provided, single submitter. Criteria: Ambry Variant Classification Scheme 2023. Collection method: clinical testing. Allele origin: germline.
Comment: The p.A1306P variant (also known as c.3916G>C), located in coding exon 4 of the ALPK2 gene, results from a G to C substitution at nucleotide position 3916. The alanine at codon 1306 is replaced by proline, an amino acid with highly similar properties. This amino acid position is conserved. In addition, this alteration is predicted to be tolerated by in silico analysis. Since supporting evidence is limited at this time, the clinical significance of this alteration remains unclear.